The following is an entry in ClinVar:

NM_000064.4(C3):c.3665A>C (p.Asp1222Ala)

Gene: C3 (complement C3; minus strand). Cytogenetic location: 19p13.3.
Variant type: single nucleotide variant.
Coding change: c.3665A>C on transcript NM_000064.4 (MANE Select); coding-DNA position 3665, A replaced by C.
Protein change: p.Asp1222Ala; replaces aspartic acid 1222 with alanine.
Molecular consequence: missense variant.
Genome position (GRCh38, 1-based): chr19:6,686,269, T>G on the plus strand (A>C on the coding strand, the complement: C3 is on the minus strand). VCF-style: chr19-6686269-T-G. GRCh37 (hg19) VCF-style: chr19-6686280-T-G.
Other names: short protein forms D1222A.
Identifiers: ClinVar variation 4280222 (VCV004280222.1).

ClinVar aggregate classification (germline): Uncertain significance (1 of 4 stars; one submission).

Conditions:
Complement component 3 deficiency. Identifiers: Orphanet 280133, MedGen C3151071, MONDO:0013417, OMIM 613779.
C3 glomerulonephritis. Also called: Nephropathy due to CFHR5 Deficiency; C3 GLOMERULOPATHY 3. Identifiers: Orphanet 329931, MedGen C4055342, MONDO:0013892, OMIM 614809.
Atypical hemolytic-uremic syndrome. Identifiers: Orphanet 2134, MedGen C2931788, MONDO:0016244.

Submission:

Genomenon, Inc
Classification: Uncertain significance for Complement component 3 deficiency; C3 glomerulonephritis; Atypical hemolytic-uremic syndrome. Last evaluated: 2025-09-30. Review status: criteria provided, single submitter. Criteria: Genomenon Sequence Variant Interpretation Standards. Collection method: curation. Allele origin: germline. Affected: no.
Comment: C3 p.Asp1222Ala (c.3665A>C) is a missense variant that changes the amino acid at residue 1222 from Aspartic acid to Alanine. This variant has been reported in the published literature (PMID:7868901). It is absent or not present at a significant frequency in gnomAD. In silico models agree that this variant is not damaging. In conclusion, we classify C3 p.Asp1222Ala (c.3665A>C) as a variant of unknown significance.

Literature cited by the submitters: PubMed 7868901.